The following is an entry in ClinVar:

NM_002617.4(PEX10):c.92G>A (p.Gly31Asp)

Gene: PEX10 (peroxisomal biogenesis factor 10; minus strand). Cytogenetic location: 1p36.32.
Variant type: single nucleotide variant.
Coding change: c.92G>A on transcript NM_002617.4 (MANE Select); coding-DNA position 92, G replaced by A.
Protein change: p.Gly31Asp; replaces glycine 31 with aspartic acid.
Molecular consequence: missense variant. On other transcripts: intron variant (2).
Genome position (GRCh38, 1-based): chr1:2,412,411, C>T on the plus strand (G>A on the coding strand, the complement: PEX10 is on the minus strand). VCF-style: chr1-2412411-C-T. GRCh37 (hg19) VCF-style: chr1-2343850-C-T.
Other names: c.92G>A, p.Gly31Asp (NM_001374425.1, NM_153818.2); c.-321+1186G>A (NM_001374427.1, NM_001374426.1); short protein forms G31D.
Identifiers: ClinVar variation 1415246 (VCV001415246.3), dbSNP rs1643271462, ClinGen allele CA337990424.

ClinVar aggregate classification (germline): Uncertain significance (1 of 4 stars; one submission).

Conditions:
Peroxisome biogenesis disorder, complementation group 7 (CG7). Also called: Peroxisome biogenesis disorder, complementation group B. Identifiers: MedGen C1864399.

Allele frequency attached by ClinVar (database versions not stated): gnomAD exomes below 0.00001; TOPMed below 0.00001.
gnomAD v4.1: 2 of 1,406,774 alleles (0.00014%); highest among the groups gnomAD compares: Admixed American, 0.0031%; no homozygotes.

Submission:

Labcorp Genetics (formerly Invitae), Labcorp
Classification: Uncertain significance for Peroxisome biogenesis disorder, complementation group 7. Last evaluated: 2021-12-08. Review status: criteria provided, single submitter. Criteria: Invitae Variant Classification Sherloc (09022015). Collection method: clinical testing. Allele origin: germline.
Comment: This sequence change replaces glycine, which is neutral and non-polar, with aspartic acid, which is acidic and polar, at codon 31 of the PEX10 protein (p.Gly31Asp). This variant is not present in population databases (gnomAD no frequency). This variant has not been reported in the literature in individuals affected with PEX10-related conditions. Algorithms developed to predict the effect of missense changes on protein structure and function (SIFT, PolyPhen-2, Align-GVGD) all suggest that this variant is likely to be tolerated. In summary, the available evidence is currently insufficient to determine the role of this variant in disease. Therefore, it has been classified as a Variant of Uncertain Significance.